The following is an entry in ClinVar:

NC_012920.1(MT-CO3):m.9844C>T

Gene: MT-CO3 (mitochondrially encoded cytochrome c oxidase III; plus strand).
Variant type: single nucleotide variant.
Genome position: chrM-9844-C-T.
Identifiers: ClinVar variation 693239 (VCV000693239.1), dbSNP rs1603222540, ClinGen allele CA414803836.

ClinVar aggregate classification (germline): Uncertain significance (1 of 4 stars; one submission).

Conditions:
Leigh syndrome (NULS). Also called: Leigh's necrotizing encephalopathy; Leigh's disease; Leigh Syndrome (mtDNA deletion); Leigh Disease; Subacute necrotizing encephalopathy; Necrotizing encephalopathy infantile subacute of Leigh. Identifiers: Orphanet 506, MedGen C2931891, MONDO:0009723, OMIM 256000.

Submission:

Wong Mito Lab, Molecular and Human Genetics, Baylor College of Medicine
Classification: Uncertain significance for Leigh syndrome. Last evaluated: 2019-10-17. Review status: criteria provided, single submitter. Criteria: Modified ACMG Guidelines (Unpublished). Collection method: clinical testing. Allele origin: germline.
Comment: The NC_012920.1:m.9844C>T (YP_003024032.1:p.Thr213Ile) variant in MTCO3 gene is interpretated to be a Uncertain Significance variant based on the modified ACMG guidelines (unpublished). This variant meets the following evidence codes: BP4